The following is an entry in ClinVar:

ClinVar aggregate classification (germline): Uncertain significance (1 of 4 stars; one submission).

Submission:

Quest Diagnostics Nichols Institute San Juan Capistrano
Classification: Uncertain significance. Last evaluated: 2025-02-25. Review status: criteria provided, single submitter. Criteria: Quest Diagnostics criteria. Collection method: clinical testing. Allele origin: unknown.
Comment: The FANCA c.2317G>C (p.Gly773Arg) variant has not been reported in individuals with FANCA-related conditions in the published literature. It also has not been reported in large, multi-ethnic general populations (Genome Aggregation Database). Analysis of this variant using bioinformatics tools for the prediction of the effect of amino acid changes on protein structure and function yielded conflicting predictions that this variant is benign or damaging. Based on the available information, we are unable to determine the clinical significance of this variant.

NM_000135.4(FANCA):c.2317G>C (p.Gly773Arg)

Gene: FANCA (FA complementation group A; minus strand). Cytogenetic location: 16q24.3.
Variant type: single nucleotide variant.
Coding change: c.2317G>C on transcript NM_000135.4 (MANE Select); coding-DNA position 2317, G replaced by C.
Protein change: p.Gly773Arg; replaces glycine 773 with arginine.
Molecular consequence: missense variant.
Genome position (GRCh38, 1-based): chr16:89,770,024, C>G on the plus strand (G>C on the coding strand, the complement: FANCA is on the minus strand). VCF-style: chr16-89770024-C-G. GRCh37 (hg19) VCF-style: chr16-89836432-C-G.
Other names: c.2317G>C, p.Gly773Arg (NM_001286167.3); short protein forms G773R.
Identifiers: ClinVar variation 4532863 (VCV004532863.1).
Genomic context (GRCh38, chr16:89,770,024, plus strand): 5'-CACCCAGGTGCACGGCCAGGGCAGCCAACCCCAGCACATGTGGGGCACTCAGGCTCGGGC[C>G]CTGCAACGAGAATGAGGGTGGCAGAGCAGACTGCCCTCTTCCAAGCTGGAATTTTCCAGG-3'
Protein context (NP_000126.2, residues 763-783): TRLCQLLRHQ[Gly773Arg]PSLSAPHVLG